The following is an entry in ClinVar:

NM_007289.4(MME):c.2153+5G>A

Gene: MME (membrane metalloendopeptidase; plus strand). Cytogenetic location: 3q25.2.
Variant type: single nucleotide variant.
Coding change: c.2153+5G>A on transcript NM_007289.4 (MANE Select); 5 bases into the intron after coding-DNA position 2153, G replaced by A.
Molecular consequence: intron variant.
Genome position (GRCh38, 1-based): chr3:155,172,617, G>A. VCF-style: chr3-155172617-G-A. GRCh37 (hg19) VCF-style: chr3-154890406-G-A.
Other names: c.2153+5G>A (NM_001354642.2, NM_000902.5, NM_007287.4 and 2 more transcripts).
Identifiers: ClinVar variation 4536888 (VCV004536888.1).

ClinVar aggregate classification (germline): Uncertain significance (1 of 4 stars; one submission).

gnomAD v4.1: 15 of 1,606,228 alleles (0.00093%); highest among the groups gnomAD compares: East Asian, 0.0045%; no homozygotes.

Submission:

Women's Health and Genetics/Laboratory Corporation of America, LabCorp
Classification: Uncertain significance. Last evaluated: 2025-11-10. Review status: criteria provided, single submitter. Criteria: LabCorp Variant Classification Summary - May 2015. Collection method: clinical testing. Allele origin: germline.
Comment: Variant summary: MME c.2153+5G>A alters a nucleotide located close to a canonical splice site and therefore could affect mRNA splicing, leading to a significantly altered protein sequence. Several computational tools predict a significant impact on normal splicing: Two predict the variant weakens a 5' donor site. One predicts the variant abolishes a 5' splicing donor site. However, these predictions have yet to be confirmed by functional studies. The variant allele was found at a frequency of 1.2e-05 in 251062 control chromosomes (gnomAD). The available data on variant occurrences in the general population are insufficient to allow any conclusion about variant significance. c.2153+5G>A has been observed in individuals affected with Charcot-Marie-Tooth disease (Geroldi_2024). These reports do not provide unequivocal conclusions about association of the variant with Charcot-Marie-Tooth disease, axonal, type 2T-AR. To our knowledge, no experimental evidence demonstrating an impact on protein function has been reported. The following publication have been ascertained in the context of this evaluation (PMID: 39251209). No submitters have cited clinical-significance assessments for this variant to ClinVar. Based on the evidence outlined above, the variant was classified as uncertain significance.

Literature cited by the submitters: PubMed 39251209.